The following is an entry in ClinVar:

NM_004260.4(RECQL4):c.1483+4A>C

Gene: RECQL4 (RecQ like helicase 4; minus strand). Cytogenetic location: 8q24.3.
Variant type: single nucleotide variant.
Coding change: c.1483+4A>C on transcript NM_004260.4 (MANE Select); 4 bases into the intron after coding-DNA position 1483, A replaced by C.
Molecular consequence: intron variant.
Genome position (GRCh38, 1-based): chr8:144,515,146, T>G on the plus strand (A>C on the coding strand, the complement: RECQL4 is on the minus strand). VCF-style: chr8-144515146-T-G. GRCh37 (hg19) VCF-style: chr8-145740530-T-G.
Identifiers: ClinVar variation 1466665 (VCV001466665.6), dbSNP rs962228942, ClinGen allele CA2573142920.
Genomic context (GRCh38, chr8:144,515,146, plus strand): 5'-GAGTCAGCAGCAGGGTTCTGCAGCCTGGCCTCAGCCCAGCCTCAGCCCTGGCAGCCACGC[T>G]CACCAGACAGGATCCGCATGACTGCACGCTCCTGCCCAGGGCGAAAGGCTTGGTGCCCCA-3'

ClinVar aggregate classification (germline): Uncertain significance (1 of 4 stars; one submission).

Conditions:
Baller-Gerold syndrome (BGS). Also called: CRANIOSYNOSTOSIS WITH RADIAL DEFECTS. Identifiers: Orphanet 1225, MedGen C0265308, MONDO:0009039, OMIM 218600.

Submission:

Labcorp Genetics (formerly Invitae), Labcorp
Classification: Uncertain significance for Baller-Gerold syndrome. Last evaluated: 2021-04-28. Review status: criteria provided, single submitter. Criteria: Invitae Variant Classification Sherloc (09022015). Collection method: clinical testing. Allele origin: germline.
Comment: Nucleotide substitutions within the consensus splice site are a relatively common cause of aberrant splicing (PMID: 17576681, 9536098). Algorithms developed to predict the effect of sequence changes on RNA splicing suggest that this variant may disrupt the consensus splice site, but this prediction has not been confirmed by published transcriptional studies. This variant has not been reported in the literature in individuals with RECQL4-related conditions. This variant is not present in population databases (ExAC no frequency). This sequence change falls in intron 8 of the RECQL4 gene. It does not directly change the encoded amino acid sequence of the RECQL4 protein. It affects a nucleotide within the consensus splice site of the intron. In summary, the available evidence is currently insufficient to determine the role of this variant in disease. Therefore, it has been classified as a Variant of Uncertain Significance.

Literature cited by the submitters: PubMed 17576681; PubMed 9536098.